The following is an entry in ClinVar:

ClinVar aggregate classification (germline): Uncertain significance (1 of 4 stars; one submission).

Submission:

Labcorp Genetics (formerly Invitae), Labcorp
Classification: Uncertain significance. Last evaluated: 2025-03-25. Review status: criteria provided, single submitter. Criteria: Invitae Variant Classification Sherloc (09022015). Collection method: clinical testing. Allele origin: germline.
Comment: This sequence change replaces proline, which is neutral and non-polar, with threonine, which is neutral and polar, at codon 331 of the ANKZF1 protein (p.Pro331Thr). This variant is not present in population databases (gnomAD no frequency). This variant has not been reported in the literature in individuals affected with ANKZF1-related conditions. An algorithm developed to predict the effect of missense changes on protein structure and function (PolyPhen-2) suggests that this variant is likely to be disruptive. In summary, the available evidence is currently insufficient to determine the role of this variant in disease. Therefore, it has been classified as a Variant of Uncertain Significance.

NM_018089.3(ANKZF1):c.991C>A (p.Pro331Thr)

Gene: ANKZF1 (ankyrin repeat and zinc finger peptidyl tRNA hydrolase 1; plus strand). Cytogenetic location: 2q35.
Variant type: single nucleotide variant.
Coding change: c.991C>A on transcript NM_018089.3 (MANE Select); coding-DNA position 991, C replaced by A.
Protein change: p.Pro331Thr; replaces proline 331 with threonine.
Molecular consequence: missense variant.
Genome position (GRCh38, 1-based): chr2:219,233,886, C>A. VCF-style: chr2-219233886-C-A. GRCh37 (hg19) VCF-style: chr2-220098608-C-A.
Other names: c.991C>A, p.Pro331Thr (NM_001042410.2); c.361C>A, p.Pro121Thr (NM_001282792.2); short protein forms P121T, P331T.
Identifiers: ClinVar variation 4713718 (VCV004713718.1).